The following is an entry in ClinVar:

NM_001135651.3(EIF2AK2):c.713A>G (p.Lys238Arg)

Gene: EIF2AK2 (eukaryotic translation initiation factor 2 alpha kinase 2; minus strand). Cytogenetic location: 2p22.2.
Variant type: single nucleotide variant.
Coding change: c.713A>G on transcript NM_001135651.3 (MANE Select); coding-DNA position 713, A replaced by G.
Protein change: p.Lys238Arg; replaces lysine 238 with arginine.
Molecular consequence: missense variant.
Genome position (GRCh38, 1-based): chr2:37,136,992, T>C on the plus strand (A>G on the coding strand, the complement: EIF2AK2 is on the minus strand). VCF-style: chr2-37136992-T-C. GRCh37 (hg19) VCF-style: chr2-37364135-T-C.
Other names: c.713A>G, p.Lys238Arg (NM_001135652.3, NM_002759.4); short protein forms K238R.
Identifiers: ClinVar variation 3371852 (VCV003371852.2).

ClinVar aggregate classification (germline): Uncertain significance (1 of 4 stars; one submission).

Submission:

GeneDx
Classification: Uncertain significance. Last evaluated: 2024-12-03. Review status: criteria provided, single submitter. Criteria: GeneDx Variant Classification Process June 2021. Collection method: clinical testing. Allele origin: germline. Affected: yes.
Comment: Not observed at significant frequency in large population cohorts (gnomAD); In silico analysis indicates that this missense variant does not alter protein structure/function; Has not been previously published as pathogenic or benign to our knowledge